The following is an entry in ClinVar:

NM_004525.3(LRP2):c.10946C>T (p.Pro3649Leu)

Gene: LRP2 (LDL receptor related protein 2; minus strand). Cytogenetic location: 2q31.1.
Variant type: single nucleotide variant.
Coding change: c.10946C>T on transcript NM_004525.3 (MANE Select); coding-DNA position 10946, C replaced by T.
Protein change: p.Pro3649Leu; replaces proline 3649 with leucine.
Molecular consequence: missense variant.
Genome position (GRCh38, 1-based): chr2:169,173,987, G>A on the plus strand (C>T on the coding strand, the complement: LRP2 is on the minus strand). VCF-style: chr2-169173987-G-A. GRCh37 (hg19) VCF-style: chr2-170030497-G-A.
Other names: short protein forms P3649L.
Identifiers: ClinVar variation 999618 (VCV000999618.6), dbSNP rs751375925, ClinGen allele CA1953210.

ClinVar aggregate classification (germline): Uncertain significance. Review status: criteria provided, multiple submitters, no conflicts (2 of 4 stars). 2 submissions from 2 submitters: Uncertain significance (2). Last evaluated 2025-01-01.

Conditions:
Donnai-Barrow syndrome. Also called: DBS/FOAR SYNDROME; FACIOOCULOACOUSTICORENAL SYNDROME. Identifiers: Orphanet 2143, MedGen C1857277, MONDO:0009104, OMIM 222448.

Allele frequency attached by ClinVar (database versions not stated): gnomAD exomes below 0.00001 and 0.00001; ExAC 0.00001; gnomAD 0.00002; TOPMed 0.00002.
gnomAD v4.1: 25 of 1,614,082 alleles (0.0015%); highest among the groups gnomAD compares: African/African-American, 0.0053%; no homozygotes.

Submissions (2):

Labcorp Genetics (formerly Invitae), Labcorp
Classification: Uncertain significance. Last evaluated: 2025-01-01. Review status: criteria provided, single submitter. Criteria: Invitae Variant Classification Sherloc (09022015). Collection method: clinical testing. Allele origin: germline.
Comment: This sequence change replaces proline, which is neutral and non-polar, with leucine, which is neutral and non-polar, at codon 3649 of the LRP2 protein (p.Pro3649Leu). This variant is present in population databases (rs751375925, gnomAD 0.01%). This variant has not been reported in the literature in individuals affected with LRP2-related conditions. ClinVar contains an entry for this variant (Variation ID: 999618). Invitae Evidence Modeling of protein sequence and biophysical properties (such as structural, functional, and spatial information, amino acid conservation, physicochemical variation, residue mobility, and thermodynamic stability) indicates that this missense variant is expected to disrupt LRP2 protein function with a positive predictive value of 95%. In summary, the available evidence is currently insufficient to determine the role of this variant in disease. Therefore, it has been classified as a Variant of Uncertain Significance.

Fulgent Genetics
Classification: Uncertain significance for Donnai-Barrow syndrome. Last evaluated: 2024-04-18. Review status: criteria provided, single submitter. Criteria: ACMG Guidelines, 2015. Collection method: clinical testing. Allele origin: germline.